The following is an entry in ClinVar:

NM_001083962.2(TCF4):c.1570C>T (p.Gln524Ter)

Gene: TCF4 (transcription factor 4; minus strand). Cytogenetic location: 18q21.2.
Variant type: single nucleotide variant.
Coding change: c.1570C>T on transcript NM_001083962.2 (MANE Select); coding-DNA position 1570, C replaced by T.
Protein change: p.Gln524Ter; replaces glutamine 524 with a stop codon.
Molecular consequence: nonsense.
Genome position (GRCh38, 1-based): chr18:55,232,588, G>A on the plus strand (C>T on the coding strand, the complement: TCF4 is on the minus strand). VCF-style: chr18-55232588-G-A. GRCh37 (hg19) VCF-style: chr18-52899819-G-A.
Other names: p.Q524*:CAA>TAA; c.1357C>T, p.Gln453Ter (NM_001243232.1, NM_001306208.1); c.1180C>T, p.Gln394Ter (NM_001243233.2, NM_001330605.3, NM_001348212.2 and 1 more transcripts); c.1090C>T, p.Gln364Ter (NM_001243234.2, NM_001243235.2, NM_001243236.2 and 1 more transcripts); c.1498C>T, p.Gln500Ter (NM_001306207.1, NM_001369575.1, NM_001243227.2 and 5 more transcripts); c.1567C>T, p.Gln523Ter (NM_001330604.3, NM_001369569.1, NM_001369570.1 and 2 more transcripts); c.1444C>T, p.Gln482Ter (NM_001348211.2, NM_001243231.2); c.1570C>T, p.Gln524Ter (NM_001369568.1, NM_001369571.1, NM_001369572.1 and 2 more transcripts); and 7 more; short protein forms Q524*, Q363*, Q482*, Q523*, Q364*, Q453*, Q499*, Q500*.
Identifiers: ClinVar variation 207534 (VCV000207534.10), dbSNP rs796053418, ClinGen allele CA319104.
Genomic context (GRCh38, chr18:55,232,588, plus strand): 5'-TTGATTTGATATCCTTCTTGTCGTCATCTAATTTCTTGTCCTCCGAAGATTTCGTGTCTT[G>A]CAGGTTCTCATCACCCTCGTCATCGGATTTGATCTCAGAGCTGCCAGAGGAGACACTCTG-3'

ClinVar aggregate classification (germline): Pathogenic. Review status: criteria provided, multiple submitters, no conflicts (2 of 4 stars). 3 submissions from 3 submitters: Pathogenic (3). Last evaluated 2022-01-27.

Conditions:
Pitt-Hopkins syndrome (PTHS). Also called: ENCEPHALOPATHY, SEVERE EPILEPTIC, WITH AUTONOMIC DYSFUNCTION; MENTAL RETARDATION, SYNDROMAL, WITH INTERMITTENT HYPERVENTILATION. Identifiers: Orphanet 2896, MedGen C1970431, MONDO:0012589, OMIM 610954.

Submissions (3):

Daryl Scott Lab, Baylor College of Medicine
Classification: Pathogenic for Pitt-Hopkins syndrome. Last evaluated: 2022-01-27. Review status: criteria provided, single submitter. Criteria: ACMG Guidelines, 2015. Collection method: clinical testing. Allele origin: de novo. Affected: yes. Observed: 1 variant allele, 1 heterozygote.

Labcorp Genetics (formerly Invitae), Labcorp
Classification: Pathogenic for Pitt-Hopkins syndrome. Last evaluated: 2017-10-06. Review status: criteria provided, single submitter. Criteria: Invitae Variant Classification Sherloc (09022015). Collection method: clinical testing. Allele origin: germline.
Comment: Loss-of-function variants in TCF4 are known to be pathogenic (PMID: 18728071, 22045651). This sequence change creates a premature translational stop signal (p.Gln524*) in the TCF4 gene. It is expected to result in an absent or disrupted protein product. This variant is not present in population databases (ExAC no frequency). This variant has been reported in an individual affected with Pitt-Hopkins syndrome (PMID: 22045651). ClinVar contains an entry for this variant (Variation ID: 207534). Algorithms developed to predict the effect of sequence changes on RNA splicing suggest that this variant may create or strengthen a splice site, but this prediction has not been confirmed by published transcriptional studies. For these reasons, this variant has been classified as Pathogenic.

GeneDx
Classification: Pathogenic. Last evaluated: 2014-06-17. Review status: criteria provided, single submitter. Criteria: GeneDx Variant Classification (06012015). Collection method: clinical testing. Allele origin: germline. Affected: yes.
Comment: p.Gln524Stop (CAA>TAA): c.1570 C>T in exon 17 of the TCF4 gene (NM_001083962.1). The Q524X nonsense mutation in the TCF4 gene has been reported previously in association with Pitt-Hopkins syndrome (Whalen et al., 2012). This mutation is predicted to cause loss of normal protein function either through protein truncation or nonsense-mediated mRNA decay. The variant is found in RETT-EPI panel(s).

Literature cited by the submitters: PubMed 35904974 (cited by Daryl Scott Lab, Baylor College of Medicine); PubMed 18728071 (cited by Labcorp Genetics (formerly Invitae), Labcorp); PubMed 22045651 (cited by Labcorp Genetics (formerly Invitae), Labcorp).